The following is an entry in ClinVar:

NM_001365999.1(SZT2):c.4679A>G (p.His1560Arg)

Gene: SZT2 (SZT2 subunit of KICSTOR complex; plus strand). Cytogenetic location: 1p34.2.
Variant type: single nucleotide variant.
Coding change: c.4679A>G on transcript NM_001365999.1 (MANE Select); coding-DNA position 4679, A replaced by G.
Protein change: p.His1560Arg; replaces histidine 1560 with arginine.
Molecular consequence: missense variant.
Genome position (GRCh38, 1-based): chr1:43,430,694, A>G. VCF-style: chr1-43430694-A-G. GRCh37 (hg19) VCF-style: chr1-43896365-A-G.
Other names: c.4508A>G, p.His1503Arg (NM_015284.4); short protein forms H1503R, H1560R.
Identifiers: ClinVar variation 2443475 (VCV002443475.1), dbSNP rs200184443, ClinGen allele CA340022502.
Genomic context (GRCh38, chr1:43,430,694, plus strand): 5'-ATGAAGACTCCTTCAGTATCTTGGGGGGCGACTCACCCACTGGGCCTGAGAGCTTCCTTC[A>G]TGACCTGCCACCGCTCTTCCTGCACCTCACGTGCTCCGTGCGGCTACGTGGGCAGCACAG-3'
Protein context (NP_001352928.1, residues 1550-1570): DSPTGPESFL[His1560Arg]DLPPLFLHLT

ClinVar aggregate classification (germline): Uncertain significance (1 of 4 stars; one submission).

gnomAD v4.1: 1 of 1,613,866 alleles (0.000062%); highest among the groups gnomAD compares: Non-Finnish European, 0.000085%; no homozygotes.

Submission:

GeneDx
Classification: Uncertain significance. Last evaluated: 2022-09-09. Review status: criteria provided, single submitter. Criteria: GeneDx Variant Classification Process June 2021. Collection method: clinical testing. Allele origin: germline. Affected: yes.
Comment: Not observed at significant frequency in large population cohorts (gnomAD); In silico analysis supports that this missense variant does not alter protein structure/function; Has not been previously published as pathogenic or benign to our knowledge